The following is an entry in ClinVar:

ClinVar aggregate classification (germline): Uncertain significance (1 of 4 stars; one submission).

gnomAD v4.1: 2 of 1,613,962 alleles (0.00012%); highest among the groups gnomAD compares: Non-Finnish European, 0.00017%; no homozygotes.

Submission:

GeneDx
Classification: Uncertain significance. Last evaluated: 2026-01-21. Review status: criteria provided, single submitter. Criteria: GeneDx Variant Classification Process June 2021. Collection method: clinical testing. Allele origin: germline.
Comment: Not observed at significant frequency in large population cohorts (gnomAD); In silico analysis suggests that this missense variant does not alter protein structure/function; Has not been previously published as pathogenic or benign to our knowledge

NM_017433.5(MYO3A):c.2020G>A (p.Val674Ile)

Gene: MYO3A (myosin IIIA; plus strand). Cytogenetic location: 10p12.1.
Variant type: single nucleotide variant.
Coding change: c.2020G>A on transcript NM_017433.5 (MANE Select); coding-DNA position 2020, G replaced by A.
Protein change: p.Val674Ile; replaces valine 674 with isoleucine.
Molecular consequence: missense variant.
Genome position (GRCh38, 1-based): chr10:26,125,514, G>A. VCF-style: chr10-26125514-G-A. GRCh37 (hg19) VCF-style: chr10-26414443-G-A.
Other names: short protein forms V674I.
Identifiers: ClinVar variation 4975395 (VCV004975395.1).